The following is an entry in ClinVar:

ClinVar aggregate classification (germline): Likely pathogenic (1 of 4 stars; one submission).

Conditions:
Spondyloepiphyseal dysplasia with congenital joint dislocations (SEDCJD). Also called: Chondrodysplasia with Congenital Joint Dislocations, CHST3-Related. Identifiers: Orphanet 263463, MedGen C1837657, MONDO:0007738, OMIM 143095.

Submission:

Clinical Genetics Laboratory, Skane University Hospital Lund
Classification: Likely pathogenic for Spondyloepiphyseal dysplasia with congenital joint dislocations. Last evaluated: 2025-09-03. Review status: criteria provided, single submitter. Criteria: ACMG Guidelines, 2015. Collection method: clinical testing. Allele origin: germline. Inheritance: Autosomal recessive inheritance. Affected: yes.
Comment: ACMG criteria: PM1, PM2, PM3_supporting and PP3

NM_004273.5(CHST3):c.400C>T (p.His134Tyr)

Gene: CHST3 (carbohydrate sulfotransferase 3; plus strand). Cytogenetic location: 10q22.1.
Variant type: single nucleotide variant.
Coding change: c.400C>T on transcript NM_004273.5 (MANE Select); coding-DNA position 400, C replaced by T.
Protein change: p.His134Tyr; replaces histidine 134 with tyrosine.
Molecular consequence: missense variant.
Genome position (GRCh38, 1-based): chr10:72,007,431, C>T. VCF-style: chr10-72007431-C-T. GRCh37 (hg19) VCF-style: chr10-73767189-C-T.
Other names: c.400C>T, p.His134Tyr (NM_001441201.1, NM_001441202.1); short protein forms H134Y.
Identifiers: ClinVar variation 4077378 (VCV004077378.1).